The following is an entry in ClinVar:

ClinVar aggregate classification (germline): Benign. Review status: criteria provided, multiple submitters, no conflicts (2 of 4 stars). 3 submissions from 2 submitters: Benign (3). Last evaluated 2018-01-13.

Conditions:
Hypertrophic cardiomyopathy 11. Also called: ACTC1-Related Familial Hypertrophic Cardiomyopathy. Identifiers: MedGen C2677506, MONDO:0012799, OMIM 612098.
Dilated cardiomyopathy 1R (CMD1R). Identifiers: Orphanet 154, Orphanet 54260, MedGen C3150681, MONDO:0013261, OMIM 613424.

Allele frequency attached by ClinVar (database versions not stated): 1000 Genomes Project 30x 0.12149; gnomAD 0.12550 and 0.12694; TOPMed 0.12981; gnomAD exomes 0.09698; 1000 Genomes Project 0.11761.

Submissions (3):

Illumina Laboratory Services, Illumina
Classification: Benign for Hypertrophic cardiomyopathy 11. Last evaluated: 2018-01-13. Review status: criteria provided, single submitter. Criteria: ICSL Variant Classification Criteria 13 December 2019. Collection method: clinical testing. Allele origin: germline.
Comment: This variant was observed in the ICSL laboratory as part of a predisposition screen in an ostensibly healthy population. It had not been previously curated by ICSL or reported in the Human Gene Mutation Database (HGMD: prior to June 1st, 2018), and was therefore a candidate for classification through an automated scoring system. Utilizing variant allele frequency, disease prevalence and penetrance estimates, and inheritance mode, an automated score was calculated to assess if this variant is too frequent to cause the disease. Based on the score and internal cut-off values, a variant classified as benign is not then subjected to further curation. The score for this variant resulted in a classification of benign for this disease.

Illumina Laboratory Services, Illumina
Classification: Benign for Dilated cardiomyopathy 1R. Last evaluated: 2018-01-13. Review status: criteria provided, single submitter. Criteria: ICSL Variant Classification Criteria 13 December 2019. Collection method: clinical testing. Allele origin: germline.
Comment: the same text as in the submission from Illumina Laboratory Services, Illumina above.

Breakthrough Genomics
Classification: Benign. Review status: criteria provided, single submitter. Criteria: ACMG Guidelines, 2015. Collection method: not provided. Allele origin: germline. Inheritance: Autosomal dominant inheritance. Affected: yes.

NM_005159.4(ACTC1):c.*472T>C

Genes: ACTC1 (actin alpha cardiac muscle 1; minus strand), GJD2-DT (GJD2 divergent transcript; plus strand). Cytogenetic location: 15q14.
Variant type: single nucleotide variant.
Coding change: c.*472T>C on transcript NM_005159.4; 472 bases downstream of the stop codon, T replaced by C.
Genome position (GRCh38, 1-based): chr15:34,789,940, A>G on the plus strand (T>C on the coding strand, the complement: ACTC1 is on the minus strand). VCF-style: chr15-34789940-A-G. GRCh37 (hg19) VCF-style: chr15-35082141-A-G.
Identifiers: ClinVar variation 315691 (VCV000315691.8), dbSNP rs1370155, ClinGen allele CA10646864.
Genomic context (GRCh38, chr15:34,789,940, plus strand): 5'-TCTCATTATCAATATATGTGTATTTTCTGCAAGGTTACAAAAACAACTGGAACATATGTT[A>G]AAATAATCTTCAGTGTCATCTGCAGCAACTAATTCTAGAGAACTATCTTATTCAATTTCA-3'